The following is an entry in ClinVar:

ClinVar aggregate classification (germline): Pathogenic (1 of 4 stars; one submission).

Submission:

Labcorp Genetics (formerly Invitae), Labcorp
Classification: Pathogenic. Last evaluated: 2024-12-02. Review status: criteria provided, single submitter. Criteria: Invitae Variant Classification Sherloc (09022015). Collection method: clinical testing. Allele origin: germline.
Comment: This sequence change creates a premature translational stop signal (p.Leu371Glnfs*11) in the NBEA gene. It is expected to result in an absent or disrupted protein product. Loss-of-function variants in NBEA are known to be pathogenic (PMID: 28554332, 30269351). This variant is not present in population databases (gnomAD no frequency). This variant has not been reported in the literature in individuals affected with NBEA-related conditions. For these reasons, this variant has been classified as Pathogenic.

Literature cited by the submitters: PubMed 28554332; PubMed 30269351.

NM_001385012.1(NBEA):c.1102_1111dup (p.Leu371fs)

Gene: NBEA (neurobeachin; plus strand). Cytogenetic location: 13q13.3.
Variant type: Duplication.
Coding change: c.1102_1111dup on transcript NM_001385012.1 (MANE Select); coding-DNA positions 1102 to 1111, 10 bases duplicated (AAGTGCTTTC; older notation c.1102_1111dupAAGTGCTTTC).
Protein change: p.Leu371fs; shifts the reading frame from leucine 371.
Molecular consequence: frameshift variant.
Genome position (GRCh38, 1-based): chr13:35,058,726-35,058,735, AAGTGCTTTC duplicated; duplicating any 10 consecutive bases within chr13:35,058,725-35,058,735 gives the same sequence; the c. name uses the placement nearest the transcript's 3' end. VCF-style (leftmost placement, unchanged base first): chr13-35058724-A-ACAAGTGCTTT. GRCh37 (hg19) VCF-style: chr13-35632861-A-ACAAGTGCTTT.
Other names: c.1102_1111dup, p.Leu371fs (NM_001379245.1, NM_015678.5); short protein forms L371fs.
Identifiers: ClinVar variation 3726494 (VCV003726494.2).